The following is an entry in ClinVar:

ClinVar aggregate classification (germline): Uncertain significance. Review status: criteria provided, multiple submitters, no conflicts (2 of 4 stars). 2 submissions from 2 submitters: Uncertain significance (2). Last evaluated 2024-07-19.

Allele frequency attached by ClinVar (database versions not stated): gnomAD exomes below 0.00001; ExAC 0.00001; gnomAD 0.00001 and 0.00002; TOPMed 0.00001.

Submissions (2):

Ambry Genetics
Classification: Uncertain significance. Last evaluated: 2024-07-19. Review status: criteria provided, single submitter. Criteria: Ambry Variant Classification Scheme 2023. Collection method: clinical testing. Allele origin: germline.
Comment: The p.D47H variant (also known as c.139G>C), located in coding exon 2 of the FAM175A gene, results from a G to C substitution at nucleotide position 139. The aspartic acid at codon 47 is replaced by histidine, an amino acid with similar properties. This amino acid position is conserved. In addition, this alteration is predicted to be deleterious by in silico analysis. Since supporting evidence is limited at this time, the clinical significance of this alteration remains unclear.

Labcorp Genetics (formerly Invitae), Labcorp
Classification: Uncertain significance. Last evaluated: 2021-07-12. Review status: criteria provided, single submitter. Criteria: Invitae Variant Classification Sherloc (09022015). Collection method: clinical testing. Allele origin: germline.
Comment: This sequence change replaces aspartic acid with histidine at codon 47 of the ABRAXAS1 protein (p.Asp47His). The aspartic acid residue is highly conserved and there is a moderate physicochemical difference between aspartic acid and histidine. This variant is present in population databases (rs764540685, ExAC 0.01%). This variant has not been reported in the literature in individuals affected with ABRAXAS1-related conditions. Algorithms developed to predict the effect of missense changes on protein structure and function are either unavailable or do not agree on the potential impact of this missense change (SIFT: "Deleterious"; PolyPhen-2: "Probably Damaging"; Align-GVGD: "Class C0"). In summary, the available evidence is currently insufficient to determine the role of this variant in disease. Therefore, it has been classified as a Variant of Uncertain Significance.

NM_139076.3(ABRAXAS1):c.139G>C (p.Asp47His)

Gene: ABRAXAS1 (abraxas 1, BRCA1 A complex subunit; minus strand). Cytogenetic location: 4q21.23.
Variant type: single nucleotide variant.
Coding change: c.139G>C on transcript NM_139076.3 (MANE Select); coding-DNA position 139, G replaced by C.
Protein change: p.Asp47His; replaces aspartic acid 47 with histidine.
Molecular consequence: missense variant. On other transcripts: 5 prime UTR variant (1).
Genome position (GRCh38, 1-based): chr4:83,482,193, C>G on the plus strand (G>C on the coding strand, the complement: ABRAXAS1 is on the minus strand). VCF-style: chr4-83482193-C-G. GRCh37 (hg19) VCF-style: chr4-84403346-C-G.
Other names: c.-122G>C (NM_001345962.2); short protein forms D47H.
Identifiers: ClinVar variation 1383992 (VCV001383992.11), dbSNP rs764540685, ClinGen allele CA2990642.